The following is an entry in ClinVar:

NM_001082486.2(ACD):c.1213C>A (p.Pro405Thr)

Gene: ACD (ACD shelterin complex subunit and telomerase recruitment factor; minus strand). Cytogenetic location: 16q22.1.
Variant type: single nucleotide variant.
Coding change: c.1213C>A on transcript NM_001082486.2 (MANE Select); coding-DNA position 1213, C replaced by A.
Protein change: p.Pro405Thr; replaces proline 405 with threonine.
Molecular consequence: missense variant.
Genome position (GRCh38, 1-based): chr16:67,657,847, G>T on the plus strand (C>A on the coding strand, the complement: ACD is on the minus strand). VCF-style: chr16-67657847-G-T. GRCh37 (hg19) VCF-style: chr16-67691750-G-T.
Other names: ACD, PRO491THR (rs201441120); P491T; c.1213C>A, p.Pro405Thr (LRG_1237t1); c.1204C>A, p.Pro402Thr (NM_022914.3); short protein forms P402T, P405T.
Identifiers: ClinVar variation 208984 (VCV000208984.22), dbSNP rs201441120, ClinGen allele CA214614.

ClinVar aggregate classification (germline): Uncertain significance. Review status: criteria provided, multiple submitters, no conflicts (2 of 4 stars). 5 submissions from 5 submitters: Uncertain significance (3). 2 of the submissions do not count toward it. Last evaluated 2026-01-14.

Conditions:
Dyskeratosis congenita, autosomal dominant 6 (DKCA6). Identifiers: Orphanet 3322, MedGen C4225284, MONDO:0014690, OMIM 616553.
Dyskeratosis congenita, autosomal recessive 7 (DKCB7). Identifiers: MedGen C4225283, MONDO:0800370.

Allele frequency attached by ClinVar (database versions not stated): gnomAD 0.00002; TOPMed 0.00003; gnomAD exomes 0.00005; ExAC 0.00008; ESP Exome Variant Server 0.00015.

Submissions (5):

Labcorp Genetics (formerly Invitae), Labcorp
Classification: Uncertain significance for Dyskeratosis congenita, autosomal dominant 6. Last evaluated: 2026-01-14. Review status: criteria provided, single submitter. Criteria: Invitae Variant Classification Sherloc (09022015). Collection method: clinical testing. Allele origin: germline.
Comment: This sequence change replaces proline, which is neutral and non-polar, with threonine, which is neutral and polar, at codon 491 of the ACD protein (p.Pro491Thr). This variant is present in population databases (rs201441120, gnomAD 0.01%). This missense change has been observed in individual(s) with Hoyeraal-Hreidarsson syndrome (PMID: 25233904). ClinVar contains an entry for this variant (Variation ID: 208984). Invitae Evidence Modeling of protein sequence and biophysical properties (such as structural, functional, and spatial information, amino acid conservation, physicochemical variation, residue mobility, and thermodynamic stability) indicates that this missense variant is expected to disrupt ACD protein function with a positive predictive value of 80%. Experimental studies have shown that this missense change does not substantially affect ACD function (PMID: 25233904). In summary, the available evidence is currently insufficient to determine the role of this variant in disease. Therefore, it has been classified as a Variant of Uncertain Significance.

Center for Genomic Medicine, Rigshospitalet, Copenhagen University Hospital
Classification: Uncertain significance. Last evaluated: 2025-12-29. Review status: criteria provided, single submitter. Criteria: ACMG Guidelines, 2015. Collection method: clinical testing. Allele origin: germline.

Johns Hopkins Genomics, Johns Hopkins University
Classification: Uncertain significance for Dyskeratosis congenita, autosomal dominant 6. Last evaluated: 2022-04-29. Review status: criteria provided, single submitter. Criteria: ACMG Guidelines, 2015. Collection method: clinical testing. Allele origin: germline.
Comment: This individual's healthy mother carried c.1213C>A in the heterozygous state and had normal telomere length. This variant has been reported in ClinVar (Variation ID: 208984) and is rare (<0.1%) in a large population dataset (gnomAD: 13/251316 total alleles; 0.005173%; no homozygotes). In vitro functional studies indicate that p.Pro405Thr may result in a modest decrease in binding between ACD and TIN2,however the clinical significance of this finding is uncertain. The proline residue at this position is evolutionarily conserved in most mammalian species assessed. We consider the clinical significance of ACD c.1213C>A to be uncertain at this time.

OMIM
Classification: Pathogenic for DYSKERATOSIS CONGENITA, AUTOSOMAL RECESSIVE 7 (1 family). Last evaluated: 2014-10-01. Review status: no assertion criteria provided. Collection method: literature only. Allele origin: germline. Not counted in ClinVar's aggregate classification.

GeneReviews
No classification provided. Condition: Dyskeratosis congenita, autosomal dominant 6. Review status: no classification provided. Collection method: literature only. Allele origin: germline. Affected: yes. Not counted in ClinVar's aggregate classification.

Literature cited by the submitters: PubMed 25233904 (cited by 5 submitters); PubMed 33822766 (cited by Johns Hopkins Genomics, Johns Hopkins University); NCBI Bookshelf NBK22301 (cited by GeneReviews).